The following is an entry in ClinVar:

NM_000255.4(MMUT):c.1909G>A (p.Gly637Arg)

Gene: MMUT (methylmalonyl-CoA mutase; minus strand). Cytogenetic location: 6p12.3.
Variant type: single nucleotide variant.
Coding change: c.1909G>A on transcript NM_000255.4 (MANE Select); coding-DNA position 1909, G replaced by A.
Protein change: p.Gly637Arg; replaces glycine 637 with arginine.
Molecular consequence: missense variant.
Genome position (GRCh38, 1-based): chr6:49,440,253, C>T on the plus strand (G>A on the coding strand, the complement: MMUT is on the minus strand). VCF-style: chr6-49440253-C-T. GRCh37 (hg19) VCF-style: chr6-49407966-C-T.
Other names: short protein forms G637R.
Identifiers: ClinVar variation 1486406 (VCV001486406.6), dbSNP rs781501004, ClinGen allele CA3846712.

ClinVar aggregate classification (germline): Pathogenic (1 of 4 stars; one submission).

Allele frequency attached by ClinVar (database versions not stated): gnomAD exomes below 0.00001; ExAC 0.00001; gnomAD 0.00001; TOPMed 0.00001.
gnomAD v4.1: 11 of 1,613,990 alleles (0.00068%); highest among the groups gnomAD compares: Non-Finnish European, 0.00076%; no homozygotes.

Submission:

Labcorp Genetics (formerly Invitae), Labcorp
Classification: Pathogenic. Last evaluated: 2024-02-01. Review status: criteria provided, single submitter. Criteria: Invitae Variant Classification Sherloc (09022015). Collection method: clinical testing. Allele origin: germline.
Comment: This sequence change replaces glycine, which is neutral and non-polar, with arginine, which is basic and polar, at codon 637 of the MUT protein (p.Gly637Arg). This variant is present in population databases (rs781501004, gnomAD 0.0009%). This missense change has been observed in individual(s) with methylmalonic acidemia (PMID: 16281286, 26790480, 27233228). ClinVar contains an entry for this variant (Variation ID: 1486406). Advanced modeling of protein sequence and biophysical properties (such as structural, functional, and spatial information, amino acid conservation, physicochemical variation, residue mobility, and thermodynamic stability) performed at Invitae indicates that this missense variant is expected to disrupt MUT protein function with a positive predictive value of 95%. This variant disrupts the p.Gly637 amino acid residue in MUT. Other variant(s) that disrupt this residue have been observed in individuals with MUT-related conditions (PMID: 15643616), which suggests that this may be a clinically significant amino acid residue. For these reasons, this variant has been classified as Pathogenic.

Literature cited by the submitters: PubMed 16281286; PubMed 26790480; PubMed 27233228; PubMed 15643616.